The following is an entry in ClinVar:

ClinVar aggregate classification (germline): Benign/Likely benign. Review status: criteria provided, multiple submitters, no conflicts (2 of 4 stars). 3 submissions from 3 submitters: Benign (1); Likely benign (2). Last evaluated 2025-11-03.

Conditions:
Hereditary cancer-predisposing syndrome. Also called: Neoplastic Syndromes, Hereditary; Hereditary Cancer Syndrome; Hereditary neoplastic syndrome; Tumor predisposition. Identifiers: Orphanet 140162, MedGen C0027672, MeSH D009386, MONDO:0015356.
Familial cancer of breast. Also called: BREAST CANCER, FAMILIAL; Hereditary breast cancer; hereditary breast carcinoma. Identifiers: Orphanet 227535, MedGen C0346153, MONDO:0016419, OMIM 114480. Disease mechanism: loss of function.

Allele frequency attached by ClinVar (database versions not stated): gnomAD exomes below 0.00001.
gnomAD v4.1: 1 of 1,613,852 alleles (0.000062%); highest among the groups gnomAD compares: Admixed American, 0.0017%; no homozygotes.

Submissions (3):

Labcorp Genetics (formerly Invitae), Labcorp
Classification: Likely benign for Familial cancer of breast. Last evaluated: 2025-11-03. Review status: criteria provided, single submitter. Criteria: Invitae Variant Classification Sherloc (09022015). Collection method: clinical testing. Allele origin: germline.

Myriad Genetics, Inc.
Classification: Benign for Familial cancer of breast. Last evaluated: 2025-01-09. Review status: criteria provided, single submitter. Criteria: Myriad Autosomal Dominant, Autosomal Recessive and X-Linked Classification Criteria (2023). Collection method: clinical testing. Allele origin: unknown.
Comment: This variant is considered benign. This variant is a silent/synonymous amino acid change and it is not expected to impact splicing.

Ambry Genetics
Classification: Likely benign for Hereditary cancer-predisposing syndrome. Last evaluated: 2019-02-21. Review status: criteria provided, single submitter. Criteria: Ambry Variant Classification Scheme 2023. Collection method: clinical testing. Allele origin: germline.

NM_024675.4(PALB2):c.102C>T (p.Arg34=)

Gene: PALB2 (partner and localizer of BRCA2; minus strand). Cytogenetic location: 16p12.2.
Variant type: single nucleotide variant.
Coding change: c.102C>T on transcript NM_024675.4 (MANE Select); coding-DNA position 102, C replaced by T.
Protein change: p.Arg34=; no amino-acid change (arginine 34 retained).
Molecular consequence: synonymous variant.
Genome position (GRCh38, 1-based): chr16:23,638,076, G>A on the plus strand (C>T on the coding strand, the complement: PALB2 is on the minus strand). VCF-style: chr16-23638076-G-A. GRCh37 (hg19) VCF-style: chr16-23649397-G-A.
Identifiers: ClinVar variation 460870 (VCV000460870.15), dbSNP rs1555462102, ClinGen allele CA494167919.